The following is an entry in ClinVar:

ClinVar aggregate classification (germline): Uncertain significance. Review status: criteria provided, multiple submitters, no conflicts (2 of 4 stars). 2 submissions from 2 submitters: Uncertain significance (2). Last evaluated 2024-12-03.

Conditions:
Hereditary cancer-predisposing syndrome. Also called: Neoplastic Syndromes, Hereditary; Hereditary Cancer Syndrome; Tumor predisposition; Hereditary neoplastic syndrome. Identifiers: Orphanet 140162, MedGen C0027672, MeSH D009386, MONDO:0015356.
Familial adenomatous polyposis 1 (FAP1). Also called: POLYPOSIS, ADENOMATOUS INTESTINAL; FAMILIAL ADENOMATOUS POLYPOSIS 1, ATTENUATED. Identifiers: MedGen C2713442, MONDO:0021056, OMIM 175100. Disease mechanism: loss of function.

Submissions (2):

Ambry Genetics
Classification: Uncertain significance for Hereditary cancer-predisposing syndrome. Last evaluated: 2024-12-03. Review status: criteria provided, single submitter. Criteria: Ambry Variant Classification Scheme 2023. Collection method: clinical testing. Allele origin: germline.
Comment: The c.136-3C>A intronic variant results from a C to A substitution 3 nucleotides upstream from coding exon 2 in the APC gene. This nucleotide position is not well conserved in available vertebrate species. In silico splice site analysis predicts that this alteration may result in the creation or strengthening of a novel splice acceptor site; however, direct evidence is insufficient at this time (Ambry internal data). Based on the available evidence, the clinical significance of this variant remains unclear.

Labcorp Genetics (formerly Invitae), Labcorp
Classification: Uncertain significance for Familial adenomatous polyposis 1. Last evaluated: 2019-06-06. Review status: criteria provided, single submitter. Criteria: Invitae Variant Classification Sherloc (09022015). Collection method: clinical testing. Allele origin: germline.
Comment: In summary, the available evidence is currently insufficient to determine the role of this variant in disease. Therefore, it has been classified as a Variant of Uncertain Significance. Nucleotide substitutions within the consensus splice site are a relatively common cause of aberrant splicing (PMID: 17576681, 9536098). Algorithms developed to predict the effect of sequence changes on RNA splicing suggest that this variant may disrupt the consensus splice site, but this prediction has not been confirmed by published transcriptional studies. This variant has not been reported in the literature in individuals with APC-related conditions. This variant is not present in population databases (ExAC no frequency). This sequence change falls in intron 2 of the APC gene. It does not directly change the encoded amino acid sequence of the APC protein, but it affects a nucleotide within the consensus splice site of the intron.

Literature cited by the submitters: PubMed 17576681 (cited by Labcorp Genetics (formerly Invitae), Labcorp); PubMed 9536098 (cited by Labcorp Genetics (formerly Invitae), Labcorp).

NM_000038.6(APC):c.136-3C>A

Gene: APC (APC regulator of Wnt signaling pathway; plus strand). Cytogenetic location: 5q22.2.
Variant type: single nucleotide variant.
Coding change: c.136-3C>A on transcript NM_000038.6 (MANE Select); 3 bases into the intron before coding-DNA position 136, C replaced by A.
Molecular consequence: intron variant.
Genome position (GRCh38, 1-based): chr5:112,766,323, C>A. VCF-style: chr5-112766323-C-A. GRCh37 (hg19) VCF-style: chr5-112102020-C-A.
Other names: c.136-3C>A (NM_001354895.2, NM_001127510.3, NM_001354896.2 and 2 more transcripts); c.166-3C>A (NM_001354897.2, NM_001354902.2, NM_001127511.3); c.61-3C>A (NM_001354898.2, NM_001354904.2); c.-900-3C>A (NM_001354906.2); c.-42-3C>A (NM_001354900.2, NM_001354901.2, NM_001354905.2).
Identifiers: ClinVar variation 945992 (VCV000945992.12), dbSNP rs1060503361, ClinGen allele CA1139658983.